The following is an entry in ClinVar:

ClinVar aggregate classification (germline): Uncertain significance (1 of 4 stars; one submission).

Allele frequency attached by ClinVar (database versions not stated): TOPMed below 0.00001; gnomAD 0.00001; gnomAD exomes 0.00002; ExAC 0.00007.
gnomAD v4.1: 35 of 1,593,252 alleles (0.0022%); highest among the groups gnomAD compares: Middle Eastern, 0.016%; no homozygotes.

Submission:

Labcorp Genetics (formerly Invitae), Labcorp
Classification: Uncertain significance. Last evaluated: 2021-09-17. Review status: criteria provided, single submitter. Criteria: Invitae Variant Classification Sherloc (09022015). Collection method: clinical testing. Allele origin: germline.
Comment: This sequence change replaces arginine with histidine at codon 654 of the SZT2 protein (p.Arg654His). The arginine residue is weakly conserved and there is a small physicochemical difference between arginine and histidine. This variant is present in population databases (rs773445213, ExAC 0.03%). This variant has not been reported in the literature in individuals affected with SZT2-related conditions. Algorithms developed to predict the effect of missense changes on protein structure and function are either unavailable or do not agree on the potential impact of this missense change (SIFT: "Deleterious"; PolyPhen-2: "Probably Damaging"; Align-GVGD: "Class C0"). In summary, the available evidence is currently insufficient to determine the role of this variant in disease. Therefore, it has been classified as a Variant of Uncertain Significance.

NM_001365999.1(SZT2):c.1961G>A (p.Arg654His)

Gene: SZT2 (SZT2 subunit of KICSTOR complex; plus strand). Cytogenetic location: 1p34.2.
Variant type: single nucleotide variant.
Coding change: c.1961G>A on transcript NM_001365999.1 (MANE Select); coding-DNA position 1961, G replaced by A.
Protein change: p.Arg654His; replaces arginine 654 with histidine.
Molecular consequence: missense variant.
Genome position (GRCh38, 1-based): chr1:43,422,807, G>A. VCF-style: chr1-43422807-G-A. GRCh37 (hg19) VCF-style: chr1-43888478-G-A.
Other names: c.1961G>A, p.Arg654His (NM_015284.4); short protein forms R654H.
Identifiers: ClinVar variation 1353760 (VCV001353760.5), dbSNP rs773445213, ClinGen allele CA808574.